The following is an entry in ClinVar:

NM_001283009.2(RTEL1):c.3037G>A (p.Ala1013Thr)

Genes: RTEL1 (regulator of telomere elongation helicase 1; plus strand), RTEL1-TNFRSF6B (RTEL1-TNFRSF6B readthrough (NMD candidate); plus strand). Cytogenetic location: 20q13.33.
Variant type: single nucleotide variant.
Coding change: c.3037G>A on transcript NM_001283009.2 (MANE Select); coding-DNA position 3037, G replaced by A.
Protein change: p.Ala1013Thr; replaces alanine 1013 with threonine.
Molecular consequence: missense variant. On other transcripts: non-coding transcript variant (1).
Genome position (GRCh38, 1-based): chr20:63,694,416, G>A. VCF-style: chr20-63694416-G-A. GRCh37 (hg19) VCF-style: chr20-62325769-G-A.
Other names: c.2368G>A, p.Ala790Thr (NM_001283010.1); c.3037G>A, p.Ala1013Thr (NM_016434.4); c.3109G>A, p.Ala1037Thr (NM_032957.5); short protein forms A790T, A1013T, A1037T.
Identifiers: ClinVar variation 971058 (VCV000971058.6), dbSNP rs142568980, ClinGen allele CA9965807.

ClinVar aggregate classification (germline): Conflicting classifications of pathogenicity. Review status: criteria provided, conflicting classifications (1 of 4 stars). 3 submissions from 3 submitters: Uncertain significance (1); Likely benign (1). 1 of the submissions does not count toward it. Last evaluated 2026-01-12.

Conditions:
Dyskeratosis congenita, autosomal recessive 5 (DKCB5). Identifiers: MedGen C3554656, MONDO:0014076, OMIM 615190.
Pulmonary fibrosis and/or bone marrow failure, Telomere-related, 3. Also called: PULMONARY FIBROSIS AND/OR BONE MARROW FAILURE SYNDROME, TELOMERE-RELATED, 3. Identifiers: Orphanet 2032, MedGen C4225346, MONDO:0014613, OMIM 616373.
Dyskeratosis congenita. Identifiers: Orphanet 1775, MedGen C0265965, MONDO:0015780.

Allele frequency attached by ClinVar (database versions not stated): gnomAD 0.00001 and 0.00002; ExAC 0.00002; TOPMed 0.00003; ESP Exome Variant Server 0.00008.
gnomAD v4.1: 105 of 1,612,276 alleles (0.0065%); highest among the groups gnomAD compares: Non-Finnish European, 0.0081%; no homozygotes.

Submissions (3):

Labcorp Genetics (formerly Invitae), Labcorp
Classification: Uncertain significance for Dyskeratosis congenita, autosomal recessive 5; Pulmonary fibrosis and/or bone marrow failure, Telomere-related, 3. Last evaluated: 2026-01-12. Review status: criteria provided, single submitter. Criteria: Invitae Variant Classification Sherloc (09022015). Collection method: clinical testing. Allele origin: germline.
Comment: This sequence change replaces alanine, which is neutral and non-polar, with threonine, which is neutral and polar, at codon 1013 of the RTEL1 protein (p.Ala1013Thr). This variant is present in population databases (rs142568980, gnomAD 0.01%). This variant has not been reported in the literature in individuals affected with RTEL1-related conditions. ClinVar contains an entry for this variant (Variation ID: 971058). An algorithm developed to predict the effect of missense changes on protein structure and function outputs the following: PolyPhen-2: "Benign". The threonine amino acid residue is found in multiple mammalian species, which suggests that this missense change does not adversely affect protein function. In summary, the available evidence is currently insufficient to determine the role of this variant in disease. Therefore, it has been classified as a Variant of Uncertain Significance.

Blueprint Genetics
Classification: Likely benign. Last evaluated: 2024-01-18. Review status: criteria provided, single submitter. Criteria: ACMG Guidelines, 2015. Collection method: clinical testing. Allele origin: germline.

Natera, Inc.
Classification: Uncertain significance for Dyskeratosis congenita. Last evaluated: 2020-03-16. Review status: no assertion criteria provided. Collection method: clinical testing. Allele origin: germline. Not counted in ClinVar's aggregate classification.